The following is an entry in ClinVar:

NM_001329943.3(KIAA0586):c.1459G>T (p.Ala487Ser)

Gene: KIAA0586 (KIAA0586; plus strand). Cytogenetic location: 14q23.1.
Variant type: single nucleotide variant.
Coding change: c.1459G>T on transcript NM_001329943.3 (MANE Select); coding-DNA position 1459, G replaced by T.
Protein change: p.Ala487Ser; replaces alanine 487 with serine.
Molecular consequence: missense variant.
Genome position (GRCh38, 1-based): chr14:58,457,855, G>T. VCF-style: chr14-58457855-G-T. GRCh37 (hg19) VCF-style: chr14-58924573-G-T.
Other names: c.1618G>T, p.Ala540Ser (NM_001244189.2); c.1414G>T, p.Ala472Ser (NM_001244190.2); c.1204G>T, p.Ala402Ser (NM_001244191.2, NM_001329945.2, NM_001364700.1 and 1 more transcripts); c.1327G>T, p.Ala443Ser (NM_001244192.2); c.1039G>T, p.Ala347Ser (NM_001244193.2); c.1459G>T, p.Ala487Ser (NM_001329944.2, NM_001329946.2, NM_001329947.2 and 1 more transcripts); short protein forms A443S, A487S, A402S, A347S, A540S, A472S.
Identifiers: ClinVar variation 2148257 (VCV002148257.4), dbSNP rs551062851, ClinGen allele CA389868351.

ClinVar aggregate classification (germline): Uncertain significance (1 of 4 stars; one submission).

Conditions:
Joubert syndrome 23 (JBTS23). Identifiers: Orphanet 475, MedGen C4084822, MONDO:0014664, OMIM 616490.
Short-rib thoracic dysplasia 14 with polydactyly (SRTD14). Identifiers: Orphanet 397715, MedGen C4225286, MONDO:0014688, OMIM 616546.

Allele frequency attached by ClinVar (database versions not stated): gnomAD exomes below 0.00001.
gnomAD v4.1: 1 of 1,608,648 alleles (0.000062%); highest among the groups gnomAD compares: Non-Finnish European, 0.000085%; no homozygotes.

Submission:

Labcorp Genetics (formerly Invitae), Labcorp
Classification: Uncertain significance for Joubert syndrome 23; Short-rib thoracic dysplasia 14 with polydactyly. Last evaluated: 2024-10-22. Review status: criteria provided, single submitter. Criteria: Invitae Variant Classification Sherloc (09022015). Collection method: clinical testing. Allele origin: germline.
Comment: This sequence change replaces alanine, which is neutral and non-polar, with serine, which is neutral and polar, at codon 540 of the KIAA0586 protein (p.Ala540Ser). The frequency data for this variant in the population databases is considered unreliable, as metrics indicate poor data quality at this position in the gnomAD database. This variant has not been reported in the literature in individuals affected with KIAA0586-related conditions. ClinVar contains an entry for this variant (Variation ID: 2148257). Invitae Evidence Modeling of protein sequence and biophysical properties (such as structural, functional, and spatial information, amino acid conservation, physicochemical variation, residue mobility, and thermodynamic stability) indicates that this missense variant is expected to disrupt KIAA0586 protein function with a positive predictive value of 80%. In summary, the available evidence is currently insufficient to determine the role of this variant in disease. Therefore, it has been classified as a Variant of Uncertain Significance.